The following is an entry in ClinVar:

ClinVar aggregate classification (germline): Uncertain significance. Review status: criteria provided, multiple submitters, no conflicts (2 of 4 stars). 2 submissions from 2 submitters: Uncertain significance (2). Last evaluated 2024-03-07.

Conditions:
Familial thoracic aortic aneurysm and aortic dissection (TAAD). Also called: Thoracic aortic aneurysms and dissections. Identifiers: Orphanet 91387, MedGen C4707243, MONDO:0019625.

gnomAD v4.1: 3 of 1,614,154 alleles (0.00019%); highest among the groups gnomAD compares: Admixed American, 0.0017%; no homozygotes.

Submissions (2):

Color Diagnostics, LLC DBA Color Health
Classification: Uncertain significance for Familial thoracic aortic aneurysm and aortic dissection. Last evaluated: 2024-03-07. Review status: criteria provided, single submitter. Criteria: ACMG Guidelines, 2015. Collection method: clinical testing. Allele origin: germline.
Comment: This missense variant replaces lysine with arginine at codon 550 of the MYH11 protein. Computational prediction suggests that this variant may have deleterious impact on protein structure and function (internally defined REVEL score threshold >= 0.7, PMID: 27666373). To our knowledge, functional studies have not been reported for this variant. This variant has not been reported in individuals affected with cardiovascular disorders in the literature. This variant has not been identified in the general population by the Genome Aggregation Database (gnomAD). The available evidence is insufficient to determine the role of this variant in disease conclusively. Therefore, this variant is classified as a Variant of Uncertain Significance.

Ambry Genetics
Classification: Uncertain significance for Familial thoracic aortic aneurysm and aortic dissection. Last evaluated: 2024-02-25. Review status: criteria provided, single submitter. Criteria: Ambry Variant Classification Scheme 2023. Collection method: clinical testing. Allele origin: germline.
Comment: The p.K543R variant (also known as c.1628A>G), located in coding exon 13 of the MYH11 gene, results from an A to G substitution at nucleotide position 1628. The lysine at codon 543 is replaced by arginine, an amino acid with highly similar properties. This amino acid position is conserved. In addition, the in silico prediction for this alteration is inconclusive. Based on the available evidence, the clinical significance of this alteration remains unclear.

NM_002474.3(MYH11):c.1628A>G (p.Lys543Arg)

Gene: MYH11 (myosin heavy chain 11; minus strand). Cytogenetic location: 16p13.11.
Variant type: single nucleotide variant.
Coding change: c.1628A>G on transcript NM_002474.3 (MANE Select); coding-DNA position 1628, A replaced by G.
Protein change: p.Lys543Arg; replaces lysine 543 with arginine.
Molecular consequence: missense variant.
Genome position (GRCh38, 1-based): chr16:15,756,462, T>C on the plus strand (A>G on the coding strand, the complement: MYH11 is on the minus strand). VCF-style: chr16-15756462-T-C. GRCh37 (hg19) VCF-style: chr16-15850319-T-C.
Other names: c.1628A>G (NM_002474.2); c.1649A>G, p.Lys550Arg (NM_001040113.2, NM_001040114.2); c.1628A>G, p.Lys543Arg (NM_022844.3); short protein forms K543R, K550R.
Identifiers: ClinVar variation 1171807 (VCV001171807.4), dbSNP rs2151272970, ClinGen allele CA394870508.